The following is an entry in ClinVar:

NM_001042492.3(NF1):c.5350T>A (p.Tyr1784Asn)

Gene: NF1 (neurofibromin 1; plus strand). Cytogenetic location: 17q11.2.
Variant type: single nucleotide variant.
Coding change: c.5350T>A on transcript NM_001042492.3 (MANE Select); coding-DNA position 5350, T replaced by A.
Protein change: p.Tyr1784Asn; replaces tyrosine 1784 with asparagine.
Molecular consequence: missense variant.
Genome position (GRCh38, 1-based): chr17:31,327,580, T>A. VCF-style: chr17-31327580-T-A. GRCh37 (hg19) VCF-style: chr17-29654598-T-A.
Other names: c.5287T>A, p.Tyr1763Asn (NM_000267.4); short protein forms Y1784N, Y1763N.
Identifiers: ClinVar variation 2766236 (VCV002766236.3), dbSNP rs2151541060, ClinGen allele CA399009239.

ClinVar aggregate classification (germline): Uncertain significance (1 of 4 stars; one submission).

Conditions:
Neurofibromatosis, type 1 (NF1). Also called: VON RECKLINGHAUSEN DISEASE; Neurofibromatosis, type I; NEUROFIBROMATOSIS, TYPE I, SOMATIC; Peripheral type neurofibromatosis. Identifiers: Orphanet 636, MedGen C0027831, MONDO:0018975, OMIM 162200. Disease mechanism: loss of function.

Submission:

Labcorp Genetics (formerly Invitae), Labcorp
Classification: Uncertain significance for Neurofibromatosis, type 1. Last evaluated: 2025-01-27. Review status: criteria provided, single submitter. Criteria: Invitae Variant Classification Sherloc (09022015). Collection method: clinical testing. Allele origin: germline.
Comment: This sequence change replaces tyrosine, which is neutral and polar, with asparagine, which is neutral and polar, at codon 1763 of the NF1 protein (p.Tyr1763Asn). This variant is not present in population databases (gnomAD no frequency). This variant has not been reported in the literature in individuals affected with NF1-related conditions. ClinVar contains an entry for this variant (Variation ID: 2766236). Invitae Evidence Modeling of protein sequence and biophysical properties (such as structural, functional, and spatial information, amino acid conservation, physicochemical variation, residue mobility, and thermodynamic stability) indicates that this missense variant is expected to disrupt NF1 protein function with a positive predictive value of 95%. In summary, the available evidence is currently insufficient to determine the role of this variant in disease. Therefore, it has been classified as a Variant of Uncertain Significance.